The following is an entry in ClinVar:

NM_001323289.2(CDKL5):c.146-2A>C

Gene: CDKL5 (cyclin dependent kinase like 5; plus strand). Cytogenetic location: Xp22.13.
Variant type: single nucleotide variant.
Coding change: c.146-2A>C on transcript NM_001323289.2 (MANE Select); the canonical splice acceptor site of the intron before coding-DNA position 146, A replaced by C.
Molecular consequence: splice acceptor variant.
Genome position (GRCh38, 1-based): chrX:18,575,352, A>C. VCF-style: chrX-18575352-A-C. GRCh37 (hg19) VCF-style: chrX-18593472-A-C.
Other names: c.146-2A>C (NM_003159.3, NM_001037343.2).
Identifiers: ClinVar variation 1067367 (VCV001067367.7), dbSNP rs2147139522, ClinGen allele CA412348436.

ClinVar aggregate classification (germline): Likely pathogenic (1 of 4 stars; one submission).

Conditions:
Angelman syndrome-like. Identifiers: MedGen CN128785.
Developmental and epileptic encephalopathy, 2 (DEE2). Also called: INFANTILE SPASM SYNDROME, X-LINKED 2; CDKL5 deficiency disorder. Identifiers: Orphanet 1934, Orphanet 3451, Orphanet 505652, MedGen C4750718, MONDO:0010396, OMIM 300672.

Submission:

Labcorp Genetics (formerly Invitae), Labcorp
Classification: Likely pathogenic for Developmental and epileptic encephalopathy, 2; Angelman syndrome-like. Last evaluated: 2020-08-27. Review status: criteria provided, single submitter. Criteria: Invitae Variant Classification Sherloc (09022015). Collection method: clinical testing. Allele origin: germline.
Comment: This sequence change affects an acceptor splice site in intron 4 of the CDKL5 gene. It is expected to disrupt RNA splicing and likely results in an absent or disrupted protein product. This variant is not present in population databases (ExAC no frequency). This variant has not been reported in the literature in individuals with CDKL5-related conditions. Algorithms developed to predict the effect of sequence changes on RNA splicing suggest that this variant may disrupt the consensus splice site, but this prediction has not been confirmed by published transcriptional studies. Donor and acceptor splice site variants typically lead to a loss of protein function (PMID: 16199547), and loss-of-function variants in CDKL5 are known to be pathogenic (PMID: 22872100). In summary, the currently available evidence indicates that the variant is pathogenic, but additional data are needed to prove that conclusively. Therefore, this variant has been classified as Likely Pathogenic.

Literature cited by the submitters: PubMed 16199547; PubMed 22872100.